The following is an entry in ClinVar:

ClinVar aggregate classification (germline): Uncertain significance (1 of 4 stars; one submission).

Conditions:
ACE-related disorder. Also called: ACE-related condition; ACE-related disorders.

gnomAD v4.1: 50 of 1,312,806 alleles (0.0038%); highest among the groups gnomAD compares: Non-Finnish European, 0.0048%; no homozygotes.

Submission:

PreventionGenetics, part of Exact Sciences
Classification: Uncertain significance for ACE-related condition. Last evaluated: 2025-02-05. Review status: criteria provided, single submitter. Criteria: ACMG Guidelines, 2015. Collection method: clinical testing. Allele origin: germline.
Comment: The ACE c.249G>C variant is predicted to result in the amino acid substitution p.Gln83His. This variant resides at the terminal nucleotide of the first exon immediately adjacent to the intron one splice donor site in the canonical transcript (NM_000789.3). Based on available splicing prediction software, this variant is predicted to significantly impact the splice donor site (SpliceAI, Jaganathan et al. 2019. PubMed ID: 30661751); however, prediction programs are imperfect and we cannot be certain of the biological impact of this particular variant. To our knowledge, this variant has not been reported in the literature or in a large population database (gnomAD), indicating this variant is rare. Although we suspect this variant may be pathogenic, at this time, the clinical significance of this variant is uncertain due to the absence of conclusive functional and genetic evidence.

NM_000789.4(ACE):c.249G>C (p.Gln83His)

Genes: ACE (angiotensin I converting enzyme; plus strand), LOC130061383 (ATAC-STARR-seq lymphoblastoid silent region 8817; plus strand). Cytogenetic location: 17q23.3.
Variant type: single nucleotide variant.
Coding change: c.249G>C on transcript NM_000789.4 (MANE Select); coding-DNA position 249, G replaced by C.
Protein change: p.Gln83His; replaces glutamine 83 with histidine.
Molecular consequence: missense variant. On other transcripts: 5 prime UTR variant (1).
Genome position (GRCh38, 1-based): chr17:63,477,343, G>C. VCF-style: chr17-63477343-G-C. GRCh37 (hg19) VCF-style: chr17-61554704-G-C.
Other names: c.14G>C, p.Arg5Thr (NM_001382700.1); c.-366G>C (NM_001382701.1); short protein forms Q83H, R5T.
Identifiers: ClinVar variation 4978429 (VCV004978429.1).
Genomic context (GRCh38, chr17:63,477,343, plus strand): 5'-GAGCGTGGCCGCCAGCTGGGCGCACGACACCAACATCACCGCGGAGAATGCAAGGCGCCA[G>C]GTGGGCGCCCGGGCCCGGGCGGGGGCGGGGCGGGGCCGCGGCGGCCAATCACAGCACGCG-3'
Protein context (NP_000780.1, residues 73-93): TNITAENARR[Gln83His]EEAALLSQEF